The following is an entry in ClinVar:

NM_201596.3(CACNB2):c.1528A>G (p.Ile510Val)

Gene: CACNB2 (calcium voltage-gated channel auxiliary subunit beta 2; plus strand). Cytogenetic location: 10p12.31.
Variant type: single nucleotide variant.
Coding change: c.1528A>G on transcript NM_201596.3 (MANE Select); coding-DNA position 1528, A replaced by G.
Protein change: p.Ile510Val; replaces isoleucine 510 with valine.
Molecular consequence: missense variant.
Genome position (GRCh38, 1-based): chr10:18,539,269, A>G. VCF-style: chr10-18539269-A-G. GRCh37 (hg19) VCF-style: chr10-18828198-A-G.
Other names: c.1363A>G, p.Ile455Val (NM_000724.4); c.1330A>G, p.Ile444Val (NM_001167945.2); c.1249A>G, p.Ile417Val (NM_001330060.2); c.1270A>G, p.Ile424Val (NM_001410882.1); c.1384A>G, p.Ile462Val (NM_201570.3); c.1444A>G, p.Ile482Val (NM_201571.4); c.1372A>G, p.Ile458Val (NM_201572.4); c.1366A>G, p.Ile456Val (NM_201590.3); and 2 more; short protein forms I510V, I417V, I444V, I455V, I482V, I486V, I458V, I424V.
Identifiers: ClinVar variation 3023815 (VCV003023815.2), dbSNP rs763170043, ClinGen allele CA5430088.

ClinVar aggregate classification (germline): Uncertain significance (1 of 4 stars; one submission).

Conditions:
Brugada syndrome 4 (BRGDA4). Identifiers: Orphanet 130, MedGen C2678477, MONDO:0012743, OMIM 611876.

Allele frequency attached by ClinVar (database versions not stated): gnomAD exomes below 0.00001; TOPMed below 0.00001; ExAC 0.00001.
gnomAD v4.1: 2 of 1,613,900 alleles (0.00012%); highest among the groups gnomAD compares: Non-Finnish European, 0.00017%; no homozygotes.

Submission:

Labcorp Genetics (formerly Invitae), Labcorp
Classification: Uncertain significance for Brugada syndrome 4. Last evaluated: 2025-08-26. Review status: criteria provided, single submitter. Criteria: Invitae Variant Classification Sherloc (09022015). Collection method: clinical testing. Allele origin: germline.
Comment: This sequence change replaces isoleucine, which is neutral and non-polar, with valine, which is neutral and non-polar, at codon 456 of the CACNB2 protein (p.Ile456Val). This variant is present in population databases (rs763170043, gnomAD 0.0009%). This variant has not been reported in the literature in individuals affected with CACNB2-related conditions. ClinVar contains an entry for this variant (Variation ID: 3023815). Invitae Evidence Modeling of protein sequence and biophysical properties (such as structural, functional, and spatial information, amino acid conservation, physicochemical variation, residue mobility, and thermodynamic stability) indicates that this missense variant is not expected to disrupt CACNB2 protein function with a negative predictive value of 80%. In summary, the available evidence is currently insufficient to determine the role of this variant in disease. Therefore, it has been classified as a Variant of Uncertain Significance.